The following is an entry in ClinVar:

ClinVar aggregate classification (germline): Likely pathogenic (1 of 4 stars; one submission).

Allele frequency attached by ClinVar (database versions not stated): gnomAD exomes below 0.00001.
gnomAD v4.1: 1 of 1,613,776 alleles (0.000062%); highest among the groups gnomAD compares: Non-Finnish European, 0.000085%; no homozygotes.

Submission:

Labcorp Genetics (formerly Invitae), Labcorp
Classification: Likely pathogenic. Last evaluated: 2023-08-20. Review status: criteria provided, single submitter. Criteria: Invitae Variant Classification Sherloc (09022015). Collection method: clinical testing. Allele origin: germline.
Comment: This sequence change affects an acceptor splice site in intron 110 of the COL7A1 gene. It is expected to disrupt RNA splicing. Variants that disrupt the donor or acceptor splice site typically lead to a loss of protein function (PMID: 16199547), and loss-of-function variants in COL7A1 are known to be pathogenic (PMID: 16971478). In summary, the currently available evidence indicates that the variant is pathogenic, but additional data are needed to prove that conclusively. Therefore, this variant has been classified as Likely Pathogenic. Algorithms developed to predict the effect of sequence changes on RNA splicing suggest that this variant may disrupt the consensus splice site. ClinVar contains an entry for this variant (Variation ID: 1066185). Disruption of this splice site has been observed in individual(s) with COL7A1-related conditions (PMID: 10367729, 25877244, 35464429). This variant is not present in population databases (gnomAD no frequency).

Literature cited by the submitters: PubMed 16199547; PubMed 16971478; PubMed 10367729; PubMed 25877244; PubMed 35464429.

NM_000094.4(COL7A1):c.8227-1G>C

Gene: COL7A1 (collagen type VII alpha 1 chain; minus strand). Cytogenetic location: 3p21.31.
Variant type: single nucleotide variant.
Coding change: c.8227-1G>C on transcript NM_000094.4 (MANE Select); the canonical splice acceptor site of the intron before coding-DNA position 8227, G replaced by C.
Molecular consequence: splice acceptor variant.
Genome position (GRCh38, 1-based): chr3:48,566,738, C>G on the plus strand (G>C on the coding strand, the complement: COL7A1 is on the minus strand). VCF-style: chr3-48566738-C-G. GRCh37 (hg19) VCF-style: chr3-48604171-C-G.
Identifiers: ClinVar variation 1066185 (VCV001066185.5), dbSNP rs2043625281, ClinGen allele CA352639176.